The following is an entry in ClinVar:

NM_001270508.2(TNFAIP3):c.1368dup (p.Pro457fs)

Gene: TNFAIP3 (TNF alpha induced protein 3; plus strand). Cytogenetic location: 6q23.3.
Variant type: Duplication.
Coding change: c.1368dup on transcript NM_001270508.2 (MANE Select); coding-DNA position 1368, one base duplicated (G; older notation c.1368dupG).
Protein change: p.Pro457fs; shifts the reading frame from proline 457.
Molecular consequence: frameshift variant.
Genome position (GRCh38, 1-based): chr6:137,878,813, G duplicated; the last of 6 consecutive G bases (chr6:137,878,808-137,878,813); duplicating any one gives the same sequence. VCF-style (leftmost placement, unchanged base first): chr6-137878807-T-TG. GRCh37 (hg19) VCF-style: chr6-138199944-T-TG.
Other names: c.1368dup, p.Pro457fs (NM_001270507.2, NM_006290.4); short protein forms P457fs.
Identifiers: ClinVar variation 1992904 (VCV001992904.4), dbSNP rs2114499999, ClinGen allele CA452433133.

ClinVar aggregate classification (germline): Pathogenic (1 of 4 stars; one submission).

Submission:

Labcorp Genetics (formerly Invitae), Labcorp
Classification: Pathogenic. Last evaluated: 2022-05-10. Review status: criteria provided, single submitter. Criteria: Invitae Variant Classification Sherloc (09022015). Collection method: clinical testing. Allele origin: germline.
Comment: For these reasons, this variant has been classified as Pathogenic. This variant has not been reported in the literature in individuals affected with TNFAIP3-related conditions. This variant is not present in population databases (gnomAD no frequency). This sequence change creates a premature translational stop signal (p.Pro457Alafs*16) in the TNFAIP3 gene. It is expected to result in an absent or disrupted protein product. Loss-of-function variants in TNFAIP3 are known to be pathogenic (PMID: 26642243).

Literature cited by the submitters: PubMed 26642243.